The following is an entry in ClinVar:

ClinVar aggregate classification (germline): Uncertain significance. Review status: criteria provided, multiple submitters, no conflicts (2 of 4 stars). 2 submissions from 2 submitters: Uncertain significance (2). Last evaluated 2025-05-17.

Conditions:
Inborn genetic diseases. Identifiers: MedGen C0950123, MeSH D030342.

Allele frequency attached by ClinVar (database versions not stated): ExAC 0.00003; TOPMed below 0.00001; gnomAD exomes 0.00002 and 0.00003; gnomAD 0.00003.

Submissions (2):

Ambry Genetics
Classification: Uncertain significance for Inborn genetic diseases. Last evaluated: 2025-05-17. Review status: criteria provided, single submitter. Criteria: Ambry Variant Classification Scheme 2023. Collection method: clinical testing. Allele origin: germline.

Labcorp Genetics (formerly Invitae), Labcorp
Classification: Uncertain significance. Last evaluated: 2022-06-27. Review status: criteria provided, single submitter. Criteria: Invitae Variant Classification Sherloc (09022015). Collection method: clinical testing. Allele origin: germline.
Comment: This sequence change replaces arginine, which is basic and polar, with glutamine, which is neutral and polar, at codon 215 of the GPAA1 protein (p.Arg215Gln). This variant is present in population databases (rs782574370, gnomAD 0.005%). This variant has not been reported in the literature in individuals affected with GPAA1-related conditions. Algorithms developed to predict the effect of missense changes on protein structure and function are either unavailable or do not agree on the potential impact of this missense change (SIFT: "Tolerated"; PolyPhen-2: "Possibly Damaging"; Align-GVGD: "Class C0"). In summary, the available evidence is currently insufficient to determine the role of this variant in disease. Therefore, it has been classified as a Variant of Uncertain Significance.

NM_003801.4(GPAA1):c.644G>A (p.Arg215Gln)

Gene: GPAA1 (glycosylphosphatidylinositol anchor attachment 1; plus strand). Cytogenetic location: 8q24.3.
Variant type: single nucleotide variant.
Coding change: c.644G>A on transcript NM_003801.4 (MANE Select); coding-DNA position 644, G replaced by A.
Protein change: p.Arg215Gln; replaces arginine 215 with glutamine.
Molecular consequence: missense variant.
Genome position (GRCh38, 1-based): chr8:144,084,161, G>A. VCF-style: chr8-144084161-G-A. GRCh37 (hg19) VCF-style: chr8-145139064-G-A.
Other names: c.644G>A (NM_003801.3); short protein forms R215Q.
Identifiers: ClinVar variation 1433999 (VCV001433999.6), dbSNP rs782574370, ClinGen allele CA4932897.